The following is an entry in ClinVar:

NM_020706.2(SCAF4):c.743T>C (p.Phe248Ser)

Gene: SCAF4 (SR-related CTD associated factor 4; minus strand). Cytogenetic location: 21q22.11.
Variant type: single nucleotide variant.
Coding change: c.743T>C on transcript NM_020706.2 (MANE Select); coding-DNA position 743, T replaced by C.
Protein change: p.Phe248Ser; replaces phenylalanine 248 with serine.
Molecular consequence: missense variant.
Genome position (GRCh38, 1-based): chr21:31,701,029, A>G on the plus strand (T>C on the coding strand, the complement: SCAF4 is on the minus strand). VCF-style: chr21-31701029-A-G. GRCh37 (hg19) VCF-style: chr21-33073342-A-G.
Other names: c.698T>C, p.Phe233Ser (NM_001145444.1); c.743T>C, p.Phe248Ser (NM_001145445.1); short protein forms F233S, F248S.
Identifiers: ClinVar variation 3776704 (VCV003776704.1).

ClinVar aggregate classification (germline): Uncertain significance (1 of 4 stars; one submission).

gnomAD v4.1: 3 of 1,614,052 alleles (0.00019%); highest among the groups gnomAD compares: South Asian, 0.0033%; no homozygotes.

Submission:

GeneDx
Classification: Uncertain significance. Last evaluated: 2024-10-03. Review status: criteria provided, single submitter. Criteria: GeneDx Variant Classification Process June 2021. Collection method: clinical testing. Allele origin: germline. Affected: yes.
Comment: Not observed at significant frequency in large population cohorts (gnomAD); In silico analysis indicates that this missense variant does not alter protein structure/function; Has not been previously published as pathogenic or benign to our knowledge